The following is an entry in ClinVar:

ClinVar aggregate classification (germline): Benign. Review status: criteria provided, multiple submitters, no conflicts (2 of 4 stars). 3 submissions from 3 submitters: Benign (3). Last evaluated 2026-01-22.

Allele frequency attached by ClinVar (database versions not stated): 1000 Genomes Project 0.00100; 1000 Genomes Project 30x 0.00109; ESP Exome Variant Server 0.00308.
gnomAD v4.1: 3,543 of 1,613,836 alleles (0.22%); highest among the groups gnomAD compares: Middle Eastern, 0.84%; 6 homozygotes.

Submissions (3):

Labcorp Genetics (formerly Invitae), Labcorp
Classification: Benign. Last evaluated: 2026-01-22. Review status: criteria provided, single submitter. Criteria: Invitae Variant Classification Sherloc (09022015). Collection method: clinical testing. Allele origin: germline.

CeGaT Center for Human Genetics Tuebingen
Classification: Benign. Last evaluated: 2024-10-01. Review status: criteria provided, single submitter. Criteria: CeGaT Center For Human Genetics Tuebingen Variant Classification Criteria Version 2. Collection method: clinical testing. Allele origin: germline. Affected: yes. Observed: 4 variant alleles.
Comment: NUP160: BS1, BS2

Breakthrough Genomics
Classification: Benign. Review status: criteria provided, single submitter. Criteria: ACMG Guidelines, 2015. Collection method: not provided. Allele origin: germline. Inheritance: Autosomal recessive inheritance. Affected: yes.

NM_015231.3(NUP160):c.16G>T (p.Ala6Ser)

Genes: NUP160 (nucleoporin 160; minus strand), LOC130005685 (ATAC-STARR-seq lymphoblastoid active region 4704; plus strand). Cytogenetic location: 11p11.2.
Variant type: single nucleotide variant.
Coding change: c.16G>T on transcript NM_015231.3 (MANE Select); coding-DNA position 16, G replaced by T.
Protein change: p.Ala6Ser; replaces alanine 6 with serine.
Molecular consequence: missense variant. On other transcripts: non-coding transcript variant (1).
Genome position (GRCh38, 1-based): chr11:47,848,303, C>A on the plus strand (G>T on the coding strand, the complement: NUP160 is on the minus strand). VCF-style: chr11-47848303-C-A. GRCh37 (hg19) VCF-style: chr11-47869855-C-A.
Other names: c.118G>T, p.Ala40Ser (NM_001318399.1); short protein forms A40S, A6S.
Identifiers: ClinVar variation 1599947 (VCV001599947.32), dbSNP rs2305984, ClinGen allele CA5981758.